The following is an entry in ClinVar:

NM_007348.4(ATF6):c.910-1G>T

Gene: ATF6 (activating transcription factor 6; plus strand). Cytogenetic location: 1q23.3.
Variant type: single nucleotide variant.
Coding change: c.910-1G>T on transcript NM_007348.4 (MANE Select); the canonical splice acceptor site of the intron before coding-DNA position 910, G replaced by T.
Molecular consequence: splice acceptor variant.
Genome position (GRCh38, 1-based): chr1:161,819,632, G>T. VCF-style: chr1-161819632-G-T. GRCh37 (hg19) VCF-style: chr1-161789422-G-T.
Other names: c.910-1G>T (NM_001410890.1).
Identifiers: ClinVar variation 2045392 (VCV002045392.4), dbSNP rs1685700930, ClinGen allele CA343372071.

ClinVar aggregate classification (germline): Likely pathogenic (1 of 4 stars; one submission).

Allele frequency attached by ClinVar (database versions not stated): TOPMed below 0.00001.

Submission:

Labcorp Genetics (formerly Invitae), Labcorp
Classification: Likely pathogenic. Last evaluated: 2022-01-11. Review status: criteria provided, single submitter. Criteria: Invitae Variant Classification Sherloc (09022015). Collection method: clinical testing. Allele origin: germline.
Comment: In summary, the currently available evidence indicates that the variant is pathogenic, but additional data are needed to prove that conclusively. Therefore, this variant has been classified as Likely Pathogenic. Algorithms developed to predict the effect of sequence changes on RNA splicing suggest that this variant may disrupt the consensus splice site. This variant has not been reported in the literature in individuals affected with ATF6-related conditions. This variant is not present in population databases (gnomAD no frequency). This sequence change affects an acceptor splice site in intron 7 of the ATF6 gene. It is expected to disrupt RNA splicing. Variants that disrupt the donor or acceptor splice site typically lead to a loss of protein function (PMID: 16199547), and loss-of-function variants in ATF6 are known to be pathogenic (PMID: 26029869, 26063662, 26070061).

Literature cited by the submitters: PubMed 16199547; PubMed 26029869; PubMed 26063662; PubMed 26070061.